The following is an entry in ClinVar:

NM_013275.6(ANKRD11):c.4439A>G (p.His1480Arg)

Gene: ANKRD11 (ankyrin repeat domain 11; minus strand). Cytogenetic location: 16q24.3.
Variant type: single nucleotide variant.
Coding change: c.4439A>G on transcript NM_013275.6 (MANE Select); coding-DNA position 4439, A replaced by G.
Protein change: p.His1480Arg; replaces histidine 1480 with arginine.
Molecular consequence: missense variant.
Genome position (GRCh38, 1-based): chr16:89,282,103, T>C on the plus strand (A>G on the coding strand, the complement: ANKRD11 is on the minus strand). VCF-style: chr16-89282103-T-C. GRCh37 (hg19) VCF-style: chr16-89348511-T-C.
Other names: c.4439A>G, p.His1480Arg (NM_001256182.2, NM_001256183.2); short protein forms H1480R.
Identifiers: ClinVar variation 1388961 (VCV001388961.9), dbSNP rs761963232, ClinGen allele CA8242116.
Genomic context (GRCh38, chr16:89,282,103, plus strand): 5'-TGCTCGTCCCTGTGATGCCGCAGGAGCTCGTCCCTGTGATGCCGCAGCAGCCCATCCGCA[T>C]GCCTGTCCCGGTGCCTCTCCTTCTCGTCTCTCCATTTCTCCCTGTGTTTCTCTCTCTTCT-3'
Protein context (NP_037407.4, residues 1470-1490): RDEKERHRDR[His1480Arg]ADGLLRHHRD

ClinVar aggregate classification (germline): Uncertain significance. Review status: criteria provided, multiple submitters, no conflicts (2 of 4 stars). 2 submissions from 2 submitters: Uncertain significance (2). Last evaluated 2024-05-22.

Conditions:
KBG syndrome (KBGS). Also called: ANKRD11-Related KBG Syndrome. Identifiers: Orphanet 2332, MedGen C0220687, MONDO:0007846, OMIM 148050.

Allele frequency attached by ClinVar (database versions not stated): ExAC 0.00001; gnomAD exomes 0.00001.
gnomAD v4.1: 2 of 1,614,134 alleles (0.00012%); highest among the groups gnomAD compares: East Asian, 0.0045%; no homozygotes.

Submissions (2):

Women's Health and Genetics/Laboratory Corporation of America, LabCorp
Classification: Uncertain significance. Last evaluated: 2024-05-22. Review status: criteria provided, single submitter. Criteria: LabCorp Variant Classification Summary - May 2015. Collection method: clinical testing. Allele origin: germline.
Comment: Variant summary: ANKRD11 c.4439A>G (p.His1480Arg) results in a non-conservative amino acid change in the encoded protein sequence. Three of five in-silico tools predict a damaging effect of the variant on protein function. The variant allele was found at a frequency of 1.2e-05 in 251124 control chromosomes. The available data on variant occurrences in the general population are insufficient to allow any conclusion about variant significance. To our knowledge, no occurrence of c.4439A>G in individuals affected with KBG Syndrome and no experimental evidence demonstrating its impact on protein function have been reported. ClinVar contains an entry for this variant (Variation ID: 1388961). Based on the evidence outlined above, the variant was classified as uncertain significance.

Labcorp Genetics (formerly Invitae), Labcorp
Classification: Uncertain significance for KBG syndrome. Last evaluated: 2021-05-14. Review status: criteria provided, single submitter. Criteria: Invitae Variant Classification Sherloc (09022015). Collection method: clinical testing. Allele origin: germline.
Comment: This sequence change replaces histidine with arginine at codon 1480 of the ANKRD11 protein (p.His1480Arg). The histidine residue is moderately conserved and there is a small physicochemical difference between histidine and arginine. The frequency data for this variant in the population databases is considered unreliable, as metrics indicate poor data quality at this position in the ExAC database. This variant has not been reported in the literature in individuals with ANKRD11-related conditions. Advanced modeling of protein sequence and biophysical properties (such as structural, functional, and spatial information, amino acid conservation, physicochemical variation, residue mobility, and thermodynamic stability) performed at Invitae indicates that this missense variant is not expected to disrupt ANKRD11 protein function. In summary, the available evidence is currently insufficient to determine the role of this variant in disease. Therefore, it has been classified as a Variant of Uncertain Significance.